The following is an entry in ClinVar:

NM_199420.4(POLQ):c.4697T>A (p.Met1566Lys)

Gene: POLQ (DNA polymerase theta; minus strand). Cytogenetic location: 3q13.33.
Variant type: single nucleotide variant.
Coding change: c.4697T>A on transcript NM_199420.4 (MANE Select); coding-DNA position 4697, T replaced by A.
Protein change: p.Met1566Lys; replaces methionine 1566 with lysine.
Molecular consequence: missense variant.
Genome position (GRCh38, 1-based): chr3:121,488,234, A>T on the plus strand (T>A on the coding strand, the complement: POLQ is on the minus strand). VCF-style: chr3-121488234-A-T. GRCh37 (hg19) VCF-style: chr3-121207081-A-T.
Other names: short protein forms M1566K.
Identifiers: ClinVar variation 3422367 (VCV003422367.1).

ClinVar aggregate classification (germline): Uncertain significance (1 of 4 stars; one submission).

Submission:

Ambry Genetics
Classification: Uncertain significance. Last evaluated: 2024-07-08. Review status: criteria provided, single submitter. Criteria: Ambry Variant Classification Scheme 2023. Collection method: clinical testing. Allele origin: germline.
Comment: The p.M1566K variant (also known as c.4697T>A), located in coding exon 16 of the POLQ gene, results from a T to A substitution at nucleotide position 4697. The methionine at codon 1566 is replaced by lysine, an amino acid with similar properties. This amino acid position is conserved. In addition, this alteration is predicted to be tolerated by in silico analysis. Based on the available evidence, the clinical significance of this variant remains unclear.